The following is an entry in ClinVar:

NM_004529.4(MLLT3):c.462C>T (p.Ser154=)

Gene: MLLT3 (MLLT3 super elongation complex subunit; minus strand). Cytogenetic location: 9p21.3.
Variant type: single nucleotide variant.
Coding change: c.462C>T on transcript NM_004529.4 (MANE Select); coding-DNA position 462, C replaced by T.
Protein change: p.Ser154=; no amino-acid change (serine 154 retained).
Molecular consequence: synonymous variant.
Genome position (GRCh38, 1-based): chr9:20,414,384, G>A on the plus strand (C>T on the coding strand, the complement: MLLT3 is on the minus strand). VCF-style: chr9-20414384-G-A. GRCh37 (hg19) VCF-style: chr9-20414382-G-A.
Other names: c.453C>T, p.Ser151= (NM_001286691.2).
Identifiers: ClinVar variation 2659110 (VCV002659110.24), dbSNP rs992155754, ClinGen allele CA191163793.

ClinVar aggregate classification (germline): Likely benign (1 of 4 stars; one submission).

Allele frequency attached by ClinVar (database versions not stated): gnomAD 0.00001; gnomAD exomes 0.00001.
gnomAD v4.1: 5 of 1,607,094 alleles (0.00031%); highest among the groups gnomAD compares: African/African-American, 0.0013%; no homozygotes.

Submission:

CeGaT Center for Human Genetics Tuebingen
Classification: Likely benign. Last evaluated: 2022-11-01. Review status: criteria provided, single submitter. Criteria: CeGaT Center For Human Genetics Tuebingen Variant Classification Criteria Version 2. Collection method: clinical testing. Allele origin: germline. Affected: yes. Observed: 1 variant allele.
Comment: MLLT3: BP4, BP7